The following is an entry in ClinVar:

ClinVar aggregate classification (germline): Likely benign. Review status: criteria provided, multiple submitters, no conflicts (2 of 4 stars). 5 submissions from 5 submitters: Likely benign (4). 1 of the submissions does not count toward it. Last evaluated 2025-11-11.

Conditions:
FBN2-related disorder. Also called: FBN2-related condition.
Ehlers-Danlos syndrome (EDS). Identifiers: Orphanet 98249, MedGen C0013720, MONDO:0020066.
Familial thoracic aortic aneurysm and aortic dissection (TAAD). Also called: Thoracic aortic aneurysms and dissections. Identifiers: Orphanet 91387, MedGen C4707243, MONDO:0019625.
Congenital contractural arachnodactyly (CCA). Also called: BEALS SYNDROME; Beals-Hecht syndrome; Arthrogryposis, distal, type 9. Identifiers: Orphanet 115, MedGen C0220668, MONDO:0007363, OMIM 121050.

Allele frequency attached by ClinVar (database versions not stated): ExAC 0.00002; gnomAD exomes 0.00002 and 0.00004; gnomAD 0.00011 and 0.00012; TOPMed 0.00012.
gnomAD v4.1: 53 of 1,613,918 alleles (0.0033%); highest among the groups gnomAD compares: African/African-American, 0.039%; no homozygotes.

Submissions (5):

Labcorp Genetics (formerly Invitae), Labcorp
Classification: Likely benign for Congenital contractural arachnodactyly. Last evaluated: 2025-11-11. Review status: criteria provided, single submitter. Criteria: Invitae Variant Classification Sherloc (09022015). Collection method: clinical testing. Allele origin: germline.

Ambry Genetics
Classification: Likely benign for Familial thoracic aortic aneurysm and aortic dissection. Last evaluated: 2022-05-30. Review status: criteria provided, single submitter. Criteria: Ambry Variant Classification Scheme 2023. Collection method: clinical testing. Allele origin: germline.

Genome Diagnostics Laboratory, The Hospital for Sick Children
Classification: Likely benign for Ehlers-Danlos syndrome. Last evaluated: 2022-03-15. Review status: criteria provided, single submitter. Criteria: ACMG Guidelines, 2015. Collection method: clinical testing. Allele origin: germline.

GeneDx
Classification: Likely benign. Last evaluated: 2016-04-12. Review status: criteria provided, single submitter. Criteria: GeneDx Variant Classification (06012015). Collection method: clinical testing. Allele origin: germline. Affected: yes.
Comment: This variant is considered likely benign or benign based on one or more of the following criteria: it is a conservative change, it occurs at a poorly conserved position in the protein, it is predicted to be benign by multiple in silico algorithms, and/or has population frequency not consistent with disease.

PreventionGenetics, part of Exact Sciences
Classification: Likely benign for FBN2-related condition. Last evaluated: 2019-04-10. Review status: no assertion criteria provided. Collection method: clinical testing. Allele origin: germline. Not counted in ClinVar's aggregate classification.
Comment: This variant is classified as likely benign based on ACMG/AMP sequence variant interpretation guidelines (Richards et al. 2015 PMID: 25741868, with internal and published modifications).

NM_001999.4(FBN2):c.2469C>T (p.Asn823=)

Gene: FBN2 (fibrillin 2; minus strand). Cytogenetic location: 5q23.3.
Variant type: single nucleotide variant.
Coding change: c.2469C>T on transcript NM_001999.4 (MANE Select); coding-DNA position 2469, C replaced by T.
Protein change: p.Asn823=; no amino-acid change (asparagine 823 retained).
Molecular consequence: synonymous variant.
Genome position (GRCh38, 1-based): chr5:128,361,808, G>A on the plus strand (C>T on the coding strand, the complement: FBN2 is on the minus strand). VCF-style: chr5-128361808-G-A. GRCh37 (hg19) VCF-style: chr5-127697501-G-A.
Identifiers: ClinVar variation 385541 (VCV000385541.16), dbSNP rs770997817, ClinGen allele CA3395535.
Genomic context (GRCh38, chr5:128,361,808, plus strand): 5'-GAACACATACCCTGGTGGGCACGTACAGCTGTAACTTCCTGGCGTGTTTCGGCACAATCC[G>A]TTATCACAAAGCAGTCTGTTTACTAAACATTCATCAATGTCTGAAAGCAACGATTGAAAG-3'
Protein context (NP_001990.2, residues 813-833): ECLVNRLLCD[Asn823=]GLCRNTPGSY